The following is an entry in ClinVar:

ClinVar aggregate classification (germline): Uncertain significance (1 of 4 stars; one submission).

Conditions:
Colorectal cancer, hereditary nonpolyposis, type 7. Identifiers: Orphanet 144, MedGen C1858380, MONDO:0013725, OMIM 614385.

Submission:

Labcorp Genetics (formerly Invitae), Labcorp
Classification: Uncertain significance for Colorectal cancer, hereditary nonpolyposis, type 7. Last evaluated: 2023-02-03. Review status: criteria provided, single submitter. Criteria: Invitae Variant Classification Sherloc (09022015). Collection method: clinical testing. Allele origin: unknown.
Comment: This variant is a gross deletion of the genomic region encompassing exon(s) 3 of the MLH3 gene. This variant would be expected to be in-frame, preserving the integrity of the reading frame. This variant has not been reported in the literature in individuals affected with MLH3-related conditions. In summary, the available evidence is currently insufficient to determine the role of this variant in disease. Therefore, it has been classified as a Variant of Uncertain Significance.

NC_000014.8:g.(?_75509072)_(75509190_?)del

Gene: MLH3 (mutL homolog 3; minus strand). Cytogenetic location: 14q24.3.
Variant type: Deletion.
Identifiers: ClinVar variation 3244051 (VCV003244051.1).